The following is an entry in ClinVar:

ClinVar aggregate classification (germline): Uncertain significance (1 of 4 stars; one submission).

Submission:

ISCA site 4
Classification: Uncertain significance. Last evaluated: 2011-08-12. Review status: criteria provided, single submitter. Criteria: Kaminsky et al. (Genet Med. 2011). Collection method: clinical testing. Allele origin: maternal. Affected: yes. Observed: 1 variant allele.
Comment: Copy number variation identified through the course of routine clinical cytogenomic testing in postnatal populations. Clinical assertions have been curated as described in Kaminsky et al. 2011.

GRCh38/hg38 16p13.11-12.3(chr16:15310595-18212997)x3

Genes: ABCC1 (ATP binding cassette subfamily C member 1 (ABCC1 blood group); plus strand), ABCC6 (ATP binding cassette subfamily C member 6; minus strand), BMERB1 (bMERB domain containing 1; plus strand), CEP20 (centrosomal protein 20; minus strand), MARF1 (meiosis regulator and mRNA stability factor 1; minus strand) and 63 more. Cytogenetic location: 16p13.11-12.3.
Variant type: copy number gain.
Change: copy number 3 (three copies instead of two) of chr16:15,310,595-18,212,997 (2.90 Mb, GRCh38 coordinates, 1-based), cytogenetic band 16p13.11-12.3.
Identifiers: ClinVar variation 160987 (VCV000160987.1).